The following is an entry in ClinVar:

ClinVar aggregate classification (germline): Uncertain significance (1 of 4 stars; one submission).

Submission:

Mayo Clinic Laboratories, Mayo Clinic
Classification: Uncertain significance. Last evaluated: 2024-07-26. Review status: criteria provided, single submitter. Criteria: ACMG Guidelines, 2015. Collection method: clinical testing. Allele origin: germline. Observed: 1 variant allele.
Comment: PM2

NM_014363.6(SACS):c.653A>G (p.His218Arg)

Gene: SACS (sacsin molecular chaperone; minus strand). Cytogenetic location: 13q12.12.
Variant type: single nucleotide variant.
Coding change: c.653A>G on transcript NM_014363.6 (MANE Select); coding-DNA position 653, A replaced by G.
Protein change: p.His218Arg; replaces histidine 218 with arginine.
Molecular consequence: missense variant.
Genome position (GRCh38, 1-based): chr13:23,355,959, T>C on the plus strand (A>G on the coding strand, the complement: SACS is on the minus strand). VCF-style: chr13-23355959-T-C. GRCh37 (hg19) VCF-style: chr13-23930098-T-C.
Other names: p.His218Arg; c.212A>G, p.His71Arg (NM_001278055.2); short protein forms H218R, H71R.
Identifiers: ClinVar variation 3380145 (VCV003380145.1).